The following is an entry in ClinVar:

ClinVar aggregate classification (germline): Likely benign. Review status: criteria provided, multiple submitters, no conflicts (2 of 4 stars). 2 submissions from 2 submitters: Likely benign (2). Last evaluated 2026-01-31.

Conditions:
Congenital contractural arachnodactyly (CCA). Also called: BEALS SYNDROME; Arthrogryposis, distal, type 9; Beals-Hecht syndrome. Identifiers: Orphanet 115, MedGen C0220668, MONDO:0007363, OMIM 121050.

Allele frequency attached by ClinVar (database versions not stated): gnomAD 0.00003; gnomAD exomes 0.00004.
gnomAD v4.1: 22 of 1,603,250 alleles (0.0014%); highest among the groups gnomAD compares: East Asian, 0.049%; no homozygotes.

Submissions (2):

Labcorp Genetics (formerly Invitae), Labcorp
Classification: Likely benign for Congenital contractural arachnodactyly. Last evaluated: 2026-01-31. Review status: criteria provided, single submitter. Criteria: Invitae Variant Classification Sherloc (09022015). Collection method: clinical testing. Allele origin: germline.

GeneDx
Classification: Likely benign. Last evaluated: 2017-12-26. Review status: criteria provided, single submitter. Criteria: GeneDx Variant Classification (06012015). Collection method: clinical testing. Allele origin: germline. Affected: yes.
Comment: This variant is considered likely benign or benign based on one or more of the following criteria: it is a conservative change, it occurs at a poorly conserved position in the protein, it is predicted to be benign by multiple in silico algorithms, and/or has population frequency not consistent with disease.

NM_001999.4(FBN2):c.3217+18G>A

Genes: FBN2 (fibrillin 2; minus strand), LOC126807501 (BRD4-independent group 4 enhancer GRCh37_chr5:127680731-127681930; plus strand). Cytogenetic location: 5q23.3.
Variant type: single nucleotide variant.
Coding change: c.3217+18G>A on transcript NM_001999.4 (MANE Select); 18 bases into the intron after coding-DNA position 3217, G replaced by A.
Molecular consequence: intron variant.
Genome position (GRCh38, 1-based): chr5:128,345,339, C>T on the plus strand (G>A on the coding strand, the complement: FBN2 is on the minus strand). VCF-style: chr5-128345339-C-T. GRCh37 (hg19) VCF-style: chr5-127681031-C-T.
Identifiers: ClinVar variation 514293 (VCV000514293.2), dbSNP rs1554123696, ClinGen allele CA658796625.